The following is an entry in ClinVar:

ClinVar aggregate classification (germline): Pathogenic (1 of 4 stars; one submission).

Submission:

GeneDx
Classification: Pathogenic. Last evaluated: 2026-06-25. Review status: criteria provided, single submitter. Criteria: GeneDx Variant Classification Process June 2021. Collection method: clinical testing. Allele origin: germline.
Comment: Canonical splice site variant predicted to result in a null allele in a gene for which loss of function is a known mechanism of disease; Has not been previously published as pathogenic or benign to our knowledge; Not observed at significant frequency in large population cohorts (gnomAD)

NM_014927.5(CNKSR2):c.2693-43_2703del

Gene: CNKSR2 (connector enhancer of kinase suppressor of Ras 2; plus strand). Cytogenetic location: Xp22.12.
Variant type: Deletion.
Coding change: c.2693-43_2703del on transcript NM_014927.5 (MANE Select); 43 bases into the intron before coding-DNA position 2693 through coding-DNA position 2703, 54 bases deleted.
Molecular consequence: splice acceptor variant.
Genome position (GRCh38, 1-based): chrX:21,648,788-21,648,841, 54 bases deleted. GRCh37 (hg19): chrX:21,666,906-21,666,959.
Other names: c.2603-43_2613del (NM_001168647.3); c.2546-43_2556del (NM_001330770.2); c.2456-43_2466del (NM_001330772.2).
Identifiers: ClinVar variation 3340931 (VCV003340931.2).